The following is an entry in ClinVar:

NM_005055.5(RAPSN):c.775C>T (p.Arg259Cys)

Gene: RAPSN (receptor associated protein of the synapse; minus strand). Cytogenetic location: 11p11.2.
Variant type: single nucleotide variant.
Coding change: c.775C>T on transcript NM_005055.5 (MANE Select); coding-DNA position 775, C replaced by T.
Protein change: p.Arg259Cys; replaces arginine 259 with cysteine.
Molecular consequence: missense variant.
Genome position (GRCh38, 1-based): chr11:47,441,837, G>A on the plus strand (C>T on the coding strand, the complement: RAPSN is on the minus strand). VCF-style: chr11-47441837-G-A. GRCh37 (hg19) VCF-style: chr11-47463389-G-A.
Other names: c.775C>T, p.Arg259Cys (NM_032645.5); short protein forms R259C.
Identifiers: ClinVar variation 448159 (VCV000448159.7), dbSNP rs150207592, ClinGen allele CA5976643.

ClinVar aggregate classification (germline): Uncertain significance. Review status: criteria provided, multiple submitters, no conflicts (2 of 4 stars). 3 submissions from 3 submitters: Uncertain significance (2). 1 of the submissions does not count toward it. Last evaluated 2021-09-01.

Conditions:
Fetal akinesia deformation sequence 1 (FADS1). Also called: Pena-Shokeir syndrome type I; Fetal akinesia sequence. Identifiers: Orphanet 994, MedGen C1276035, MONDO:0100101, OMIM 208150, HP:0001989.
Congenital myasthenic syndrome 11. Also called: Myasthenic syndrome, congenital, 11, associated with acetylcholine receptor deficiency; MYASTHENIC SYNDROME, CONGENITAL, Ie. Identifiers: Orphanet 590, MedGen C4225367, MONDO:0014588, OMIM 616326.
Congenital myasthenic syndrome (CMS). Also called: Congenital Myasthenic Syndromes. Identifiers: Orphanet 590, MedGen C0751882, MeSH D020294, MONDO:0018940.

Allele frequency attached by ClinVar (database versions not stated): gnomAD exomes 0.00003; gnomAD 0.00008; TOPMed 0.00009; ESP Exome Variant Server 0.00015.
gnomAD v4.1: 47 of 1,306,446 alleles (0.0036%); highest among the groups gnomAD compares: African/African-American, 0.033%; no homozygotes.

Submissions (3):

Labcorp Genetics (formerly Invitae), Labcorp
Classification: Uncertain significance for Congenital myasthenic syndrome 11; Fetal akinesia deformation sequence 1. Last evaluated: 2021-09-01. Review status: criteria provided, single submitter. Criteria: Invitae Variant Classification Sherloc (09022015). Collection method: clinical testing. Allele origin: germline.
Comment: This sequence change replaces arginine with cysteine at codon 259 of the RAPSN protein (p.Arg259Cys). The arginine residue is moderately conserved and there is a large physicochemical difference between arginine and cysteine. This variant is present in population databases (rs150207592, ExAC 0.03%). This variant has not been reported in the literature in individuals affected with RAPSN-related conditions. ClinVar contains an entry for this variant (Variation ID: 448159). Algorithms developed to predict the effect of missense changes on protein structure and function are either unavailable or do not agree on the potential impact of this missense change (SIFT: "Deleterious"; PolyPhen-2: "Probably Damaging"; Align-GVGD: "Class C0"). In summary, the available evidence is currently insufficient to determine the role of this variant in disease. Therefore, it has been classified as a Variant of Uncertain Significance.

Athena Diagnostics
Classification: Uncertain significance. Last evaluated: 2016-11-07. Review status: criteria provided, single submitter. Criteria: Athena Diagnostics Criteria. Collection method: clinical testing. Allele origin: germline.

Natera, Inc.
Classification: Uncertain significance for Congenital myasthenic syndrome. Last evaluated: 2019-11-11. Review status: no assertion criteria provided. Collection method: clinical testing. Allele origin: germline. Not counted in ClinVar's aggregate classification.